The following is an entry in ClinVar:

NM_004168.4(SDHA):c.842C>A (p.Thr281Asn)

Gene: SDHA (succinate dehydrogenase complex flavoprotein subunit A; plus strand). Cytogenetic location: 5p15.33.
Variant type: single nucleotide variant.
Coding change: c.842C>A on transcript NM_004168.4 (MANE Select); coding-DNA position 842, C replaced by A.
Protein change: p.Thr281Asn; replaces threonine 281 with asparagine.
Molecular consequence: missense variant.
Genome position (GRCh38, 1-based): chr5:230,947, C>A. VCF-style: chr5-230947-C-A. GRCh37 (hg19) VCF-style: chr5-231062-C-A.
Other names: c.698C>A, p.Thr233Asn (NM_001294332.2); c.842C>A, p.Thr281Asn (NM_001330758.2); short protein forms T233N, T281N.
Identifiers: ClinVar variation 1763342 (VCV001763342.5), dbSNP rs1735360804, ClinGen allele CA359011798.

ClinVar aggregate classification (germline): Uncertain significance. Review status: criteria provided, multiple submitters, no conflicts (2 of 4 stars). 2 submissions from 2 submitters: Uncertain significance (2). Last evaluated 2023-06-01.

Conditions:
Mitochondrial complex II deficiency, nuclear type 1. Also called: SUCCINATE CoQ REDUCTASE DEFICIENCY. Identifiers: Orphanet 3208, MedGen C5700310, MONDO:0100294, OMIM 252011.
Pheochromocytoma/paraganglioma syndrome 5. Also called: Paragangliomas 5; SDHA-Related Hereditary Paraganglioma-Pheochromocytoma Syndrome. Identifiers: Orphanet 29072, MedGen C3279992, MONDO:0013602, OMIM 614165.
Hereditary cancer-predisposing syndrome. Also called: Hereditary Cancer Syndrome; Hereditary neoplastic syndrome; Neoplastic Syndromes, Hereditary; Tumor predisposition. Identifiers: Orphanet 140162, MedGen C0027672, MeSH D009386, MONDO:0015356.

gnomAD v4.1: 1 of 1,614,044 alleles (0.000062%); highest among the groups gnomAD compares: Non-Finnish European, 0.000085%; no homozygotes.

Submissions (2):

Labcorp Genetics (formerly Invitae), Labcorp
Classification: Uncertain significance for Pheochromocytoma/paraganglioma syndrome 5; Mitochondrial complex II deficiency, nuclear type 1. Last evaluated: 2023-06-01. Review status: criteria provided, single submitter. Criteria: Invitae Variant Classification Sherloc (09022015). Collection method: clinical testing. Allele origin: germline.
Comment: In summary, the available evidence is currently insufficient to determine the role of this variant in disease. Therefore, it has been classified as a Variant of Uncertain Significance. Advanced modeling of protein sequence and biophysical properties (such as structural, functional, and spatial information, amino acid conservation, physicochemical variation, residue mobility, and thermodynamic stability) performed at Invitae indicates that this missense variant is not expected to disrupt SDHA protein function. ClinVar contains an entry for this variant (Variation ID: 1763342). This variant has not been reported in the literature in individuals affected with SDHA-related conditions. This variant is not present in population databases (gnomAD no frequency). This sequence change replaces threonine, which is neutral and polar, with asparagine, which is neutral and polar, at codon 281 of the SDHA protein (p.Thr281Asn).

Ambry Genetics
Classification: Uncertain significance for Hereditary cancer-predisposing syndrome. Last evaluated: 2022-06-28. Review status: criteria provided, single submitter. Criteria: Ambry Variant Classification Scheme 2023. Collection method: clinical testing. Allele origin: germline.
Comment: The p.T281N variant (also known as c.842C>A), located in coding exon 7 of the SDHA gene, results from a C to A substitution at nucleotide position 842. The threonine at codon 281 is replaced by asparagine, an amino acid with similar properties. This amino acid position is conserved. In addition, this alteration is predicted to be tolerated by in silico analysis. Since supporting evidence is limited at this time, the clinical significance of this alteration remains unclear.